The following is an entry in ClinVar:

NM_032805.3(ZSCAN10):c.2151G>A (p.Gln717=)

Gene: ZSCAN10 (zinc finger and SCAN domain containing 10; minus strand). Cytogenetic location: 16p13.3.
Variant type: single nucleotide variant.
Coding change: c.2151G>A on transcript NM_032805.3 (MANE Select); coding-DNA position 2151, G replaced by A.
Protein change: p.Gln717=; no amino-acid change (glutamine 717 retained).
Molecular consequence: synonymous variant.
Genome position (GRCh38, 1-based): chr16:3,089,283, C>T on the plus strand (G>A on the coding strand, the complement: ZSCAN10 is on the minus strand). VCF-style: chr16-3089283-C-T. GRCh37 (hg19) VCF-style: chr16-3139284-C-T.
Other names: c.969G>A, p.Gln323= (NM_001282415.2, NM_001365273.1); c.1740G>A, p.Gln580= (NM_001282416.2); c.1605G>A, p.Gln535= (NM_001365272.1).
Identifiers: ClinVar variation 2646101 (VCV002646101.24), dbSNP rs190615917, ClinGen allele CA7857280.

ClinVar aggregate classification (germline): Likely benign (1 of 4 stars; one submission).

Allele frequency attached by ClinVar (database versions not stated): TOPMed 0.00271; ExAC 0.00388; gnomAD exomes 0.00406; 1000 Genomes Project 0.00040; 1000 Genomes Project 30x 0.00062; gnomAD 0.00244; ESP Exome Variant Server 0.00267.
gnomAD v4.1: 6,058 of 1,563,400 alleles (0.39%); highest among the groups gnomAD compares: Non-Finnish European, 0.48%; 17 homozygotes.

Submission:

CeGaT Center for Human Genetics Tuebingen
Classification: Likely benign. Last evaluated: 2026-07-01. Review status: criteria provided, single submitter. Criteria: CeGaT Center For Human Genetics Tuebingen Variant Classification Criteria Version 2. Collection method: clinical testing. Allele origin: germline. Affected: yes. Observed: 2 variant alleles.
Comment: ZSCAN10: BP4, BP7, BS2